The following is an entry in ClinVar:

NM_001368882.1(COL13A1):c.553C>T (p.Pro185Ser)

Gene: COL13A1 (collagen type XIII alpha 1 chain; plus strand). Cytogenetic location: 10q22.1.
Variant type: single nucleotide variant.
Coding change: c.553C>T on transcript NM_001368882.1 (MANE Select); coding-DNA position 553, C replaced by T.
Protein change: p.Pro185Ser; replaces proline 185 with serine.
Molecular consequence: missense variant. On other transcripts: 5 prime UTR variant (1).
Genome position (GRCh38, 1-based): chr10:69,888,307, C>T. VCF-style: chr10-69888307-C-T. GRCh37 (hg19) VCF-style: chr10-71648063-C-T.
Other names: c.526C>T, p.Pro176Ser (NM_001130103.2, NM_080800.4, NM_080801.4 and 1 more transcripts); c.553C>T, p.Pro185Ser (NM_001320951.2, NM_001368884.1); c.517C>T, p.Pro173Ser (NM_001368883.1, NM_001368885.1); c.-48C>T (NM_001368886.1); c.463C>T, p.Pro155Ser (NM_001368895.1); c.412C>T, p.Pro138Ser (NM_001368896.1, NM_001368898.1, NM_080798.4); c.439C>T, p.Pro147Ser (NM_001368897.1, NM_080805.4); short protein forms P138S, P176S, P185S, P173S, P155S, P147S.
Identifiers: ClinVar variation 1961184 (VCV001961184.5), dbSNP rs766688015, ClinGen allele CA376931969.
Genomic context (GRCh38, chr10:69,888,307, plus strand): 5'-CTCTTTGGCAGGAGTCCTGTGATGCTCAGTCTTTACATCTGGCCTTTCTGGTTTCAGGGT[C>T]CCATTGGGCTGGACGGCAAACCGGTAAGTGGACCCGCTCTCTCCCCTCACTGCAGGTCAG-3'
Protein context (NP_001355811.1, residues 175-195): GTRGFPGFPG[Pro185Ser]IGLDGKPGHP

ClinVar aggregate classification (germline): Uncertain significance (1 of 4 stars; one submission).

gnomAD v4.1: 1 of 1,612,964 alleles (0.000062%); highest among the groups gnomAD compares: Non-Finnish European, 0.000085%; no homozygotes.

Submission:

Labcorp Genetics (formerly Invitae), Labcorp
Classification: Uncertain significance. Last evaluated: 2023-08-28. Review status: criteria provided, single submitter. Criteria: Invitae Variant Classification Sherloc (09022015). Collection method: clinical testing. Allele origin: germline.
Comment: In summary, the available evidence is currently insufficient to determine the role of this variant in disease. Therefore, it has been classified as a Variant of Uncertain Significance. An algorithm developed to predict the effect of missense changes on protein structure and function (PolyPhen-2) suggests that this variant is likely to be disruptive. ClinVar contains an entry for this variant (Variation ID: 1961184). This variant has not been reported in the literature in individuals affected with COL13A1-related conditions. This variant is not present in population databases (gnomAD no frequency). This sequence change replaces proline, which is neutral and non-polar, with serine, which is neutral and polar, at codon 176 of the COL13A1 protein (p.Pro176Ser).